The following is an entry in ClinVar:

ClinVar aggregate classification (germline): Uncertain significance (1 of 4 stars; one submission).

Submission:

Ambry Genetics
Classification: Uncertain significance. Last evaluated: 2025-12-15. Review status: criteria provided, single submitter. Criteria: Ambry Variant Classification Scheme 2023. Collection method: clinical testing. Allele origin: germline.
Comment: The p.L100V variant (also known as c.298C>G), located in coding exon 1 of the GALNT12 gene, results from a C to G substitution at nucleotide position 298. The leucine at codon 100 is replaced by valine, an amino acid with highly similar properties. This amino acid position is conserved. In addition, this alteration is predicted to be tolerated by in silico analysis. Based on the available evidence, the clinical significance of this variant remains unclear.

NM_024642.5(GALNT12):c.298C>G (p.Leu100Val)

Gene: GALNT12 (polypeptide N-acetylgalactosaminyltransferase 12; plus strand). Cytogenetic location: 9q22.33.
Variant type: single nucleotide variant.
Coding change: c.298C>G on transcript NM_024642.5 (MANE Select); coding-DNA position 298, C replaced by G.
Protein change: p.Leu100Val; replaces leucine 100 with valine.
Molecular consequence: missense variant.
Genome position (GRCh38, 1-based): chr9:98,807,996, C>G. VCF-style: chr9-98807996-C-G. GRCh37 (hg19) VCF-style: chr9-101570278-C-G.
Other names: short protein forms L100V.
Identifiers: ClinVar variation 4843090 (VCV004843090.1).